The following is an entry in ClinVar:

NM_001114753.3(ENG):c.487A>T (p.Asn163Tyr)

Gene: ENG (endoglin; minus strand). Cytogenetic location: 9q34.11.
Variant type: single nucleotide variant.
Coding change: c.487A>T on transcript NM_001114753.3 (MANE Select); coding-DNA position 487, A replaced by T.
Protein change: p.Asn163Tyr; replaces asparagine 163 with tyrosine.
Molecular consequence: missense variant. On other transcripts: 5 prime UTR variant (1).
Genome position (GRCh38, 1-based): chr9:127,826,546, T>A on the plus strand (A>T on the coding strand, the complement: ENG is on the minus strand). VCF-style: chr9-127826546-T-A. GRCh37 (hg19) VCF-style: chr9-130588825-T-A.
Other names: c.487A>T (NM_001114753.1); c.487A>T, p.Asn163Tyr (NM_000118.4, NM_001406715.1); c.-60A>T (NM_001278138.2); short protein forms N163Y.
Identifiers: ClinVar variation 1475358 (VCV001475358.7), dbSNP rs539165395, ClinGen allele CA200314449.
Genomic context (GRCh38, chr9:127,826,546, plus strand): 5'-AGAGAGGTTGCTGGGGAAACTGACCTTGGCCCAGTCGGAGGAGGATGCTCTGGGGGTCAT[T>A]CAGCTCAGCAGCAGAGGTGATGGGGCCCCTCTCAGCTGCCCACTCAAGGATCTGGGTCTT-3'
Protein context (NP_001108225.1, residues 153-173): RGPITSAAEL[Asn163Tyr]DPQSILLRLG

ClinVar aggregate classification (germline): Conflicting classifications of pathogenicity. Review status: criteria provided, conflicting classifications (1 of 4 stars). 2 submissions from 2 submitters: Uncertain significance (1); Likely benign (1). Last evaluated 2025-12-11.

Conditions:
Hereditary hemorrhagic telangiectasia (HHT). Also called: ORW DISEASE; Osler Weber Rendu syndrome; OSLER-RENDU-WEBER DISEASE; Osler hemorrhagic telangiectasia syndrome. Identifiers: Orphanet 774, MedGen C0039445, MONDO:0019180. Disease mechanism: loss of function.
Cardiovascular phenotype. Identifiers: MedGen CN230736.

Allele frequency attached by ClinVar (database versions not stated): gnomAD exomes below 0.00001; gnomAD 0.00001; 1000 Genomes Project 0.00020; 1000 Genomes Project 30x 0.00031.
gnomAD v4.1: 2 of 1,614,078 alleles (0.00012%); highest among the groups gnomAD compares: Admixed American, 0.0033%; no homozygotes.

Submissions (2):

Ambry Genetics
Classification: Uncertain significance for Cardiovascular phenotype. Last evaluated: 2025-12-11. Review status: criteria provided, single submitter. Criteria: Ambry Variant Classification Scheme 2023. Collection method: clinical testing. Allele origin: germline.
Comment: The p.N163Y variant (also known as c.487A>T), located in coding exon 4 of the ENG gene, results from an A to T substitution at nucleotide position 487. The asparagine at codon 163 is replaced by tyrosine, an amino acid with dissimilar properties. This amino acid position is conserved. In addition, this alteration is predicted to be tolerated by in silico analysis. Based on the available evidence, the clinical significance of this variant remains unclear.

Labcorp Genetics (formerly Invitae), Labcorp
Classification: Likely benign for Hereditary hemorrhagic telangiectasia. Last evaluated: 2025-03-03. Review status: criteria provided, single submitter. Criteria: Invitae Variant Classification Sherloc (09022015). Collection method: clinical testing. Allele origin: germline.